The following is an entry in ClinVar:

NM_173728.4(ARHGEF15):c.95A>G (p.Gln32Arg)

Gene: ARHGEF15 (Rho guanine nucleotide exchange factor 15; plus strand). Cytogenetic location: 17p13.1.
Variant type: single nucleotide variant.
Coding change: c.95A>G on transcript NM_173728.4 (MANE Select); coding-DNA position 95, A replaced by G.
Protein change: p.Gln32Arg; replaces glutamine 32 with arginine.
Molecular consequence: missense variant.
Genome position (GRCh38, 1-based): chr17:8,312,134, A>G. VCF-style: chr17-8312134-A-G. GRCh37 (hg19) VCF-style: chr17-8215452-A-G.
Other names: c.95A>G, p.Gln32Arg (NM_025014.2); short protein forms Q32R.
Identifiers: ClinVar variation 582856 (VCV000582856.9), dbSNP rs1356825841, ClinGen allele CA398013368.

ClinVar aggregate classification (germline): Uncertain significance (1 of 4 stars; one submission).

Conditions:
Early-infantile DEE. Also called: Early infantile epileptic encephalopathy with suppression bursts; Early infantile epileptic encephalopathy; Ohtahara syndrome. Identifiers: Orphanet 1934, MedGen C0393706, MONDO:0800491.

Allele frequency attached by ClinVar (database versions not stated): gnomAD exomes below 0.00001.

Submission:

Labcorp Genetics (formerly Invitae), Labcorp
Classification: Uncertain significance for Early-infantile DEE. Last evaluated: 2022-12-02. Review status: criteria provided, single submitter. Criteria: Invitae Variant Classification Sherloc (09022015). Collection method: clinical testing. Allele origin: germline.
Comment: In summary, the available evidence is currently insufficient to determine the role of this variant in disease. Therefore, it has been classified as a Variant of Uncertain Significance. Algorithms developed to predict the effect of missense changes on protein structure and function (SIFT, PolyPhen-2, Align-GVGD) all suggest that this variant is likely to be tolerated. ClinVar contains an entry for this variant (Variation ID: 582856). This variant has not been reported in the literature in individuals affected with ARHGEF15-related conditions. This variant is present in population databases (no rsID available, gnomAD 0.001%). This sequence change replaces glutamine, which is neutral and polar, with arginine, which is basic and polar, at codon 32 of the ARHGEF15 protein (p.Gln32Arg).